The following is an entry in ClinVar:

ClinVar aggregate classification (germline): Benign. Review status: criteria provided, multiple submitters, no conflicts (2 of 4 stars). 2 submissions from 2 submitters: Benign (2). Last evaluated 2023-08-15.

Conditions:
Vesicoureteral reflux 2 (VUR2). Identifiers: Orphanet 289365, MedGen C1970483, MONDO:0012573, OMIM 610878.

Allele frequency attached by ClinVar (database versions not stated): gnomAD 0.00001 and 0.00003; TOPMed 0.00002; gnomAD exomes 0.00007 and 0.00014; ExAC 0.00013.
gnomAD v4.1: 114 of 1,614,030 alleles (0.0071%); highest among the groups gnomAD compares: South Asian, 0.11%; no homozygotes.

Submissions (2):

Labcorp Genetics (formerly Invitae), Labcorp
Classification: Benign. Last evaluated: 2023-08-15. Review status: criteria provided, single submitter. Criteria: Invitae Variant Classification Sherloc (09022015). Collection method: clinical testing. Allele origin: germline.

Illumina Laboratory Services, Illumina
Classification: Benign for Vesicoureteral reflux 2. Last evaluated: 2018-01-13. Review status: criteria provided, single submitter. Criteria: ICSL Variant Classification Criteria 13 December 2019. Collection method: clinical testing. Allele origin: germline.
Comment: This variant was observed in the ICSL laboratory as part of a predisposition screen in an ostensibly healthy population. It had not been previously curated by ICSL or reported in the Human Gene Mutation Database (HGMD: prior to June 1st, 2018), and was therefore a candidate for classification through an automated scoring system. Utilizing variant allele frequency, disease prevalence and penetrance estimates, and inheritance mode, an automated score was calculated to assess if this variant is too frequent to cause the disease. Based on the score and internal cut-off values, a variant classified as benign is not then subjected to further curation. The score for this variant resulted in a classification of benign for this disease.

NM_001395656.1(ROBO2):c.3069A>G (p.Gln1023=)

Gene: ROBO2 (roundabout guidance receptor 2; plus strand). Cytogenetic location: 3p12.3.
Variant type: single nucleotide variant.
Coding change: c.3069A>G on transcript NM_001395656.1 (MANE Select); coding-DNA position 3069, A replaced by G.
Protein change: p.Gln1023=; no amino-acid change (glutamine 1023 retained).
Molecular consequence: synonymous variant.
Genome position (GRCh38, 1-based): chr3:77,602,412, A>G. VCF-style: chr3-77602412-A-G. GRCh37 (hg19) VCF-style: chr3-77651563-A-G.
Other names: c.3105A>G, p.Gln1035= (NM_001128929.3); c.3069A>G, p.Gln1023= (NM_001290039.2, NM_001290040.2, NM_001378202.1); c.1278A>G, p.Gln426= (NM_001290065.2); c.3117A>G, p.Gln1039= (NM_001378190.1, NM_001378191.1, NM_001378195.1 and 4 more transcripts); c.3138A>G, p.Gln1046= (NM_001378192.1, NM_001378194.1, NM_001378198.1 and 2 more transcripts); c.3057A>G, p.Gln1019= (NM_001378193.1, NM_001378197.1, NM_002942.5); c.3126A>G, p.Gln1042= (NM_001394212.1, NM_001394214.1, NM_001395657.1).
Identifiers: ClinVar variation 346703 (VCV000346703.9), dbSNP rs544425952, ClinGen allele CA2497512.